The following is an entry in ClinVar:

ClinVar aggregate classification (germline): Likely benign. Review status: criteria provided, multiple submitters, no conflicts (2 of 4 stars). 2 submissions from 2 submitters: Likely benign (2). Last evaluated 2025-12-15.

Conditions:
SCLT1-related disorder. Also called: SCLT1-related condition.

Allele frequency attached by ClinVar (database versions not stated): ExAC 0.00001; gnomAD 0.00001; gnomAD exomes 0.00001.
gnomAD v4.1: 8 of 1,514,542 alleles (0.00053%); highest among the groups gnomAD compares: Admixed American, 0.012%; no homozygotes.

Submissions (2):

Labcorp Genetics (formerly Invitae), Labcorp
Classification: Likely benign. Last evaluated: 2025-12-15. Review status: criteria provided, single submitter. Criteria: Invitae Variant Classification Sherloc (09022015). Collection method: clinical testing. Allele origin: germline.

PreventionGenetics, part of Exact Sciences
Classification: Likely benign for SCLT1-related condition. Last evaluated: 2025-10-17. Review status: criteria provided, single submitter. Criteria: ACMG Guidelines, 2015. Collection method: clinical testing. Allele origin: germline.
Comment: This variant is classified as likely benign based on ACMG/AMP sequence variant interpretation guidelines (Richards et al. 2015 PMID: 25741868, with internal and published modifications).

NM_144643.4(SCLT1):c.585A>G (p.Gln195=)

Gene: SCLT1 (sodium channel and clathrin linker 1; minus strand). Cytogenetic location: 4q28.2.
Variant type: single nucleotide variant.
Coding change: c.585A>G on transcript NM_144643.4 (MANE Select); coding-DNA position 585, A replaced by G.
Protein change: p.Gln195=; no amino-acid change (glutamine 195 retained).
Molecular consequence: synonymous variant.
Genome position (GRCh38, 1-based): chr4:128,997,904, T>C on the plus strand (A>G on the coding strand, the complement: SCLT1 is on the minus strand). VCF-style: chr4-128997904-T-C. GRCh37 (hg19) VCF-style: chr4-129919059-T-C.
Other names: c.585A>G, p.Gln195= (NM_001410807.1); c.585A>G (NM_144643.3).
Identifiers: ClinVar variation 3006296 (VCV003006296.4), dbSNP rs745637861, ClinGen allele CA3079881.
Genomic context (GRCh38, chr4:128,997,904, plus strand): 5'-TTTCTAGTTTATATAAATAAGTATACTTACCACTTCCATGTTCTCATTAGTAACATGAAG[T>C]TGTTTGGTCAGTTGTTGAAAATCAAATAGCTGATCCTACAGTGGGAAGGTAAGGGGAGTA-3'
Protein context (NP_653244.2, residues 185-205): QLFDFQQLTK[Gln195=]LHVTNENMEV